The following is an entry in ClinVar:

ClinVar aggregate classification (germline): Pathogenic (1 of 4 stars; one submission).

Conditions:
Familial adenomatous polyposis 1 (FAP1). Also called: POLYPOSIS, ADENOMATOUS INTESTINAL; FAMILIAL ADENOMATOUS POLYPOSIS 1, ATTENUATED. Identifiers: MedGen C2713442, MONDO:0021056, OMIM 175100. Disease mechanism: loss of function.

Submission:

Myriad Genetics, Inc.
Classification: Pathogenic for Familial adenomatous polyposis 1. Last evaluated: 2023-05-10. Review status: criteria provided, single submitter. Criteria: Myriad Autosomal Dominant, Autosomal Recessive and X-Linked Classification Criteria (2023). Collection method: clinical testing. Allele origin: unknown.
Comment: This variant is considered pathogenic. This variant creates a frameshift predicted to result in premature protein truncation.

NM_000038.6(APC):c.4165dup (p.Ser1389fs)

Gene: APC (APC regulator of Wnt signaling pathway; plus strand). Cytogenetic location: 5q22.2.
Variant type: Duplication.
Coding change: c.4165dup on transcript NM_000038.6 (MANE Select); coding-DNA position 4165, one base duplicated (T; older notation c.4165dupT).
Protein change: p.Ser1389fs; shifts the reading frame from serine 1389.
Molecular consequence: frameshift variant. On other transcripts: non-coding transcript variant (2).
Genome position (GRCh38, 1-based): chr5:112,839,759, T duplicated; the last of 2 consecutive T bases (chr5:112,839,758-112,839,759); duplicating either gives the same sequence. VCF-style (leftmost placement, unchanged base first): chr5-112839757-C-CT. GRCh37 (hg19) VCF-style: chr5-112175454-C-CT.
Other names: c.4165dup, p.Ser1389fs (NM_001127510.3, NM_001354895.2, NM_001407450.1); c.4111dup, p.Ser1371fs (NM_001127511.3); c.4219dup, p.Ser1407fs (NM_001354896.2, NM_001407447.1, NM_001407448.1 and 1 more transcripts); c.4195dup, p.Ser1399fs (NM_001354897.2); c.4090dup, p.Ser1364fs (NM_001354898.2); c.4081dup, p.Ser1361fs (NM_001354899.2); c.4042dup, p.Ser1348fs (NM_001354900.2); c.3988dup, p.Ser1330fs (NM_001354901.2, NM_001407453.1); and 11 more; short protein forms S1005fs, S1106fs, S1229fs, S1260fs, S1263fs, S1288fs, S1298fs, S1306fs.
Identifiers: ClinVar variation 2583705 (VCV002583705.1), dbSNP rs2533553385, ClinGen allele CA645543761.